The following is an entry in ClinVar:

ClinVar aggregate classification (germline): Conflicting classifications of pathogenicity. Review status: criteria provided, conflicting classifications (1 of 4 stars). 5 submissions from 5 submitters: Uncertain significance (2); Likely benign (2). 1 of the submissions does not count toward it. Last evaluated 2024-05-13.

Conditions:
Congenital factor VII deficiency. Identifiers: Orphanet 327, MedGen C0272320, MONDO:0009211, OMIM 227500.
Factor VII deficiency. Also called: F7 DEFICIENCY; HYPOPROCONVERTINEMIA; Factor 7 deficiency. Identifiers: MedGen C0015503, MeSH D005168, MONDO:0002244.
F7-related disorder. Also called: F7-related condition.

Allele frequency attached by ClinVar (database versions not stated): gnomAD exomes 0.00034 and 0.00049; ExAC 0.00055; ESP Exome Variant Server 0.00085; gnomAD 0.00116 and 0.00118; TOPMed 0.00122; 1000 Genomes Project 0.00240; 1000 Genomes Project 30x 0.00281.
gnomAD v4.1: 705 of 1,606,384 alleles (0.044%); highest among the groups gnomAD compares: African/African-American, 0.27%; 1 homozygote.

Submissions (5):

Mayo Clinic Laboratories, Mayo Clinic
Classification: Uncertain significance. Last evaluated: 2024-05-13. Review status: criteria provided, single submitter. Criteria: ACMG Guidelines, 2015. Collection method: clinical testing. Allele origin: germline. Observed: 1 variant allele.
Comment: BS1, BP4, PM3_supporting

Genetics and Molecular Pathology, SA Pathology
Classification: Likely benign for Congenital factor VII deficiency. Last evaluated: 2021-03-15. Review status: criteria provided, single submitter. Criteria: ACMG Guidelines, 2015. Collection method: clinical testing. Allele origin: germline. Inheritance: Autosomal recessive inheritance. Affected: yes.
Comment: The F7 c.851G>A variant is classified as Likely Benign (BP4, BP6) The F7 c.851G>A variant is a single nucleotide change in exon 9 of 9 of the F7 gene, which is predicted to change the amino acid arginine at position 284 in the protein to glutamine. Multiple lines of computational evidence suggest this variant has no impact on the gene or gene product (BP4). The variant has been reported in dbSNP (rs77121822). It has not been reported in ClinVar or HGMD.

Illumina Laboratory Services, Illumina
Classification: Uncertain significance for Congenital factor VII deficiency. Last evaluated: 2018-01-12. Review status: criteria provided, single submitter. Criteria: ICSL Variant Classification Criteria 13 December 2019. Collection method: clinical testing. Allele origin: germline.

Labcorp Genetics (formerly Invitae), Labcorp
Classification: Likely benign. Last evaluated: 2017-11-18. Review status: criteria provided, single submitter. Criteria: Invitae Variant Classification Sherloc (09022015). Collection method: clinical testing. Allele origin: germline.

PreventionGenetics, part of Exact Sciences
Classification: Likely benign for F7-related condition. Last evaluated: 2023-05-01. Review status: no assertion criteria provided. Collection method: clinical testing. Allele origin: germline. Not counted in ClinVar's aggregate classification.
Comment: This variant is classified as likely benign based on ACMG/AMP sequence variant interpretation guidelines (Richards et al. 2015 PMID: 25741868, with internal and published modifications).

Literature cited by the submitters: PubMed 11918550 (cited by Mayo Clinic Laboratories, Mayo Clinic); PubMed 15907525 (cited by Mayo Clinic Laboratories, Mayo Clinic).

NM_019616.4(F7):c.785G>A (p.Arg262Gln)

Gene: F7 (coagulation factor VII; plus strand). Cytogenetic location: 13q34.
Variant type: single nucleotide variant.
Coding change: c.785G>A on transcript NM_019616.4 (MANE Select); coding-DNA position 785, G replaced by A.
Protein change: p.Arg262Gln; replaces arginine 262 with glutamine.
Molecular consequence: missense variant. On other transcripts: non-coding transcript variant (1).
Genome position (GRCh38, 1-based): chr13:113,118,458, G>A. VCF-style: chr13-113118458-G-A. GRCh37 (hg19) VCF-style: chr13-113772772-G-A.
Other names: p.Arg284Gln; c.851G>A, p.Arg284Gln (NM_000131.5); c.599G>A, p.Arg200Gln (NM_001267554.2); short protein forms R262Q, R284Q, R200Q.
Identifiers: ClinVar variation 734839 (VCV000734839.11), dbSNP rs77121822, ClinGen allele CA7060145.